The following is an entry in ClinVar:

ClinVar aggregate classification (germline): Uncertain significance (1 of 4 stars; one submission).

Allele frequency attached by ClinVar (database versions not stated): gnomAD 0.00001 and 0.00002; TOPMed 0.00002; gnomAD exomes 0.00003; ExAC 0.00004; 1000 Genomes Project 0.00040; 1000 Genomes Project 30x 0.00062.
gnomAD v4.1: 16 of 1,614,128 alleles (0.00099%); highest among the groups gnomAD compares: African/African-American, 0.0053%; no homozygotes.

Submission:

Labcorp Genetics (formerly Invitae), Labcorp
Classification: Uncertain significance. Last evaluated: 2022-08-16. Review status: criteria provided, single submitter. Criteria: Invitae Variant Classification Sherloc (09022015). Collection method: clinical testing. Allele origin: germline.
Comment: This sequence change replaces aspartic acid, which is acidic and polar, with asparagine, which is neutral and polar, at codon 120 of the RGS9 protein (p.Asp120Asn). This variant is present in population databases (rs557511016, gnomAD 0.007%). This variant has not been reported in the literature in individuals affected with RGS9-related conditions. ClinVar contains an entry for this variant (Variation ID: 1005389). Algorithms developed to predict the effect of missense changes on protein structure and function are either unavailable or do not agree on the potential impact of this missense change (SIFT: "Deleterious"; PolyPhen-2: "Probably Damaging"; Align-GVGD: "Class C0"). In summary, the available evidence is currently insufficient to determine the role of this variant in disease. Therefore, it has been classified as a Variant of Uncertain Significance.

NM_003835.4(RGS9):c.358G>A (p.Asp120Asn)

Gene: RGS9 (regulator of G protein signaling 9; plus strand). Cytogenetic location: 17q24.1.
Variant type: single nucleotide variant.
Coding change: c.358G>A on transcript NM_003835.4 (MANE Select); coding-DNA position 358, G replaced by A.
Protein change: p.Asp120Asn; replaces aspartic acid 120 with asparagine.
Molecular consequence: missense variant.
Genome position (GRCh38, 1-based): chr17:65,160,581, G>A. VCF-style: chr17-65160581-G-A. GRCh37 (hg19) VCF-style: chr17-63156699-G-A.
Other names: c.358G>A, p.Asp120Asn (NM_001081955.3, NM_001165933.2); short protein forms D120N.
Identifiers: ClinVar variation 1005389 (VCV001005389.5), dbSNP rs557511016, ClinGen allele CA8717616.
Genomic context (GRCh38, chr17:65,160,581, plus strand): 5'-TGGTTTCTTTTGCAGACACCGTATTTCTGGCCCACCCAGCAGTGGCCAGCTGAAGATACC[G>A]ATTACGGTAAATACTTCAGCCCCAACTATGCCTTTGGTAGTGCTTAACATGCTGCTTATT-3'
Protein context (NP_003826.2, residues 110-130): PTQQWPAEDT[Asp120Asn]YAIYLAKRNI